The following is an entry in ClinVar:

ClinVar aggregate classification (germline): Uncertain significance (1 of 4 stars; one submission).

Submission:

GeneDx
Classification: Uncertain significance. Last evaluated: 2024-06-10. Review status: criteria provided, single submitter. Criteria: GeneDx Variant Classification Process June 2021. Collection method: clinical testing. Allele origin: germline. Affected: yes.
Comment: Not observed at significant frequency in large population cohorts (gnomAD); In silico analysis supports that this missense variant has a deleterious effect on protein structure/function; Has not been previously published as pathogenic or benign to our knowledge; This substitution is predicted to be within the transmembrane segment S1 of the third homologous domain

NM_001165963.4(SCN1A):c.3664A>G (p.Thr1222Ala)

Genes: SCN1A (sodium voltage-gated channel alpha subunit 1; minus strand), LOC102724058 (uncharacterized LOC102724058; plus strand). Cytogenetic location: 2q24.3.
Variant type: single nucleotide variant.
Coding change: c.3664A>G on transcript NM_001165963.4 (MANE Select); coding-DNA position 3664, A replaced by G.
Protein change: p.Thr1222Ala; replaces threonine 1222 with alanine.
Molecular consequence: missense variant. On other transcripts: non-coding transcript variant (1).
Genome position (GRCh38, 1-based): chr2:166,013,785, T>C on the plus strand (A>G on the coding strand, the complement: SCN1A is on the minus strand). VCF-style: chr2-166013785-T-C. GRCh37 (hg19) VCF-style: chr2-166870295-T-C.
Other names: c.3580A>G, p.Thr1194Ala (NM_001165964.3, NM_001353957.2, NM_001353958.2); c.3664A>G, p.Thr1222Ala (NM_001202435.3, NM_001353948.2); c.3631A>G, p.Thr1211Ala (NM_001353949.2, NM_001353950.2, NM_001353951.2 and 2 more transcripts); c.3628A>G, p.Thr1210Ala (NM_001353954.2, NM_001353955.2); c.3577A>G, p.Thr1193Ala (NM_001353960.2); c.1222A>G, p.Thr408Ala (NM_001353961.2); short protein forms T1193A, T1194A, T1210A, T1211A, T1222A, T408A.
Identifiers: ClinVar variation 3390814 (VCV003390814.1).